The following is an entry in ClinVar:

NM_016180.5(SLC45A2):c.264del (p.Gly89fs)

Gene: SLC45A2 (solute carrier family 45 member 2; minus strand). Cytogenetic location: 5p13.2.
Variant type: Deletion.
Coding change: c.264del on transcript NM_016180.5 (MANE Select); coding-DNA position 264, one base deleted (C; older notation c.264delC).
Protein change: p.Gly89fs; shifts the reading frame from glycine 89.
Molecular consequence: frameshift variant.
Genome position (GRCh38, 1-based): chr5:33,984,320, G deleted on the plus strand (C on the coding strand, the reverse complement: SLC45A2 is on the minus strand). VCF-style (leftmost placement, unchanged base first): chr5-33984319-CG-C. GRCh37 (hg19) VCF-style: chr5-33984424-CG-C.
Other names: c.264delC (NM_016180.5, NM_016180.3, NM_016180.4); c.264del, p.Gly89fs (NM_001012509.4, NM_001297417.4); short protein forms G89fs.
Identifiers: ClinVar variation 242518 (VCV000242518.25), dbSNP rs775387808, ClinGen allele CA351305.

ClinVar aggregate classification (germline): Pathogenic/Likely pathogenic. Review status: criteria provided, multiple submitters, no conflicts (2 of 4 stars). 10 submissions from 10 submitters: Pathogenic (9); Likely pathogenic (1). Last evaluated 2026-02-24.

Conditions:
SLC45A2-related disorder. Also called: SLC45A2-related condition.
Oculocutaneous albinism type 4 (OCA4). Also called: Albinism, oculocutaneous, type IV. Identifiers: Orphanet 79435, MedGen C1847836, MONDO:0011683, OMIM 606574.
SKIN/HAIR/EYE PIGMENTATION 5, BLACK/NONBLACK HAIR (SHEP5). Also called: SKIN/HAIR/EYE PIGMENTATION 5, DARK/FAIR SKIN; SKIN/HAIR/EYE PIGMENTATION 5, DARK/LIGHT EYES; SKIN/HAIR/EYE PIGMENTATION, VARIATION IN, 5. Identifiers: MedGen C2673584, OMIM 227240.

Allele frequency attached by ClinVar (database versions not stated): ExAC 0.00008; gnomAD exomes 0.00023 and 0.00010; ESP Exome Variant Server 0.00024; TOPMed 0.00009; gnomAD 0.00011.

Submissions (10):

PreventionGenetics, part of Exact Sciences
Classification: Pathogenic for SLC45A2-related condition. Last evaluated: 2026-02-24. Review status: criteria provided, single submitter. Criteria: ACMG Guidelines, 2015. Collection method: clinical testing. Allele origin: germline.
Comment: The SLC45A2 c.264delC variant is predicted to result in a frameshift and premature protein termination (p.Gly89Aspfs*24). This variant has been reported as causative for autosomal recessive oculocutaneous albinism (see for examples Wilk et al. 2014. PubMed ID: 24845642; Kruijt et al. 2021. PubMed ID: 34078970). This variant is present in 0.016% of alleles in individuals of European (Non-Finnish) descent in gnomAD. Frameshift variants in SLC45A2 are an established mechanism of disease. Given the evidence, we interpret this variant as pathogenic.

Labcorp Genetics (formerly Invitae), Labcorp
Classification: Pathogenic. Last evaluated: 2026-01-27. Review status: criteria provided, single submitter. Criteria: Invitae Variant Classification Sherloc (09022015). Collection method: clinical testing. Allele origin: germline.
Comment: This sequence change creates a premature translational stop signal (p.Gly89Aspfs*24) in the SLC45A2 gene. It is expected to result in an absent or disrupted protein product. Loss-of-function variants in SLC45A2 are known to be pathogenic (PMID: 21458243, 26573111). This variant is present in population databases (rs775387808, gnomAD 0.02%). This premature translational stop signal has been observed in individual(s) with clinical features of oculocutaneous albinism (PMID: 15565285, 28976636). ClinVar contains an entry for this variant (Variation ID: 242518). For these reasons, this variant has been classified as Pathogenic.

Laboratory of Genetic Epidemiology, Research Centre for Medical Genetics
Classification: Pathogenic for SKIN/HAIR/EYE PIGMENTATION 5, BLACK/NONBLACK HAIR; Oculocutaneous albinism type 4. Last evaluated: 2025-01-01. Review status: criteria provided, single submitter. Criteria: ACMG Guidelines, 2015. Collection method: clinical testing. Allele origin: maternal. Inheritance: Autosomal recessive inheritance. Affected: yes. Observed: 1 compound heterozygote.
Comment: The frameshift variant NM_016180.4:c.264delC, which leading to f the formation of a premature stop codon p.(Gly89AspfsTer24) was identified in 8 probands, for 4 cases in homozygous state. This variant has been previously reported in the literature (PMIDs: 15565285, 31589614, 34078970) and is listed in gnomAD v3.1.2 with allele frequency 0.0001 in Europe (21/128992), none in homozygous state. Taken together, the variant meets the following ACMG/AMP criteria and can be classified as pathogenic with PM2, PVS1, PM3, PP4 criteria.

Blueprint Genetics
Classification: Pathogenic for SLC45A2-related disorders. Last evaluated: 2024-08-15. Review status: criteria provided, single submitter. Criteria: ACMG Guidelines, 2015. Collection method: clinical testing. Allele origin: germline. Affected: yes. Observed: 5 variant alleles.

Baylor Genetics
Classification: Pathogenic for SKIN/HAIR/EYE PIGMENTATION 5, BLACK/NONBLACK HAIR. Last evaluated: 2024-03-29. Review status: criteria provided, single submitter. Criteria: ACMG Guidelines, 2015. Collection method: clinical testing. Allele origin: unknown.

GeneDx
Classification: Pathogenic. Last evaluated: 2022-04-25. Review status: criteria provided, single submitter. Criteria: GeneDx Variant Classification Process June 2021. Collection method: clinical testing. Allele origin: germline. Affected: yes.
Comment: Frameshift variant predicted to result in protein truncation or nonsense mediated decay in a gene for which loss-of-function is a known mechanism of disease; This variant is associated with the following publications: (PMID: 34174832, 34078970, 17767372, 26053207, 24845642, 31589614, 32411182, 15565285)

Department of Pathology and Laboratory Medicine, Sinai Health System
Classification: Pathogenic for oculocutaneous albinism type 4. Last evaluated: 2022-04-13. Review status: criteria provided, single submitter. Criteria: ACMG Guidelines, 2015. Collection method: research. Allele origin: germline.

Illumina Laboratory Services, Illumina
Classification: Likely pathogenic for Oculocutaneous albinism type 4. Last evaluated: 2018-08-13. Review status: criteria provided, single submitter. Criteria: ICSL Variant Classification Criteria 09 May 2019. Collection method: clinical testing. Allele origin: germline.
Comment: The SLC45A2 c.264delC (p.Gly89AspfsTer24) variant has been reported in at least two studies and identified in a total of three individuals, including two homozygous siblings with oculocutaneous albinism (OCA) type 4 and C6 deficiency, and one compound heterozygous individual with OCA4 (Ikinciogullari et al. 2005; Wilk et al. 2014). The siblings also carried a homozygous nonsense variant in the C6 gene (Ikinciogullari et al. 2005). Control data are unavailable for this variant, which is reported at a frequency of 0.000293 in the African population of the Exome Aggregation Consortium. Based on the evidence and the potential impact of a frameshift variant, the p.Gly89AspfsTer24 variant is classified as likely pathogenic for oculocutaneous albinism. This variant was observed by ICSL as part of a predisposition screen in an ostensibly healthy population.

Eurofins Ntd Llc (ga)
Classification: Pathogenic. Last evaluated: 2017-10-24. Review status: criteria provided, single submitter. Criteria: EGL Classification Definitions 2015. Collection method: clinical testing. Allele origin: germline. Observed: 2 variant alleles, 2 heterozygotes.

Pele Pequeno Principe Research Institute, Faculdades Pequeno Principe
Classification: Pathogenic for Oculocutaneous albinism type 4. Review status: criteria provided, single submitter. Criteria: ACMG Guidelines, 2015. Collection method: research. Allele origin: germline. Inheritance: Autosomal recessive inheritance. Affected: yes.

Literature cited by the submitters: PubMed 21458243 (cited by Labcorp Genetics (formerly Invitae), Labcorp); PubMed 26573111 (cited by Labcorp Genetics (formerly Invitae), Labcorp); PubMed 15565285 (cited by 4 submitters); PubMed 28976636 (cited by Labcorp Genetics (formerly Invitae), Labcorp); PubMed 31589614 (cited by Laboratory of Genetic Epidemiology, Research Centre for Medical Genetics); PubMed 34078970 (cited by Laboratory of Genetic Epidemiology, Research Centre for Medical Genetics); PubMed 41428507 (cited by Laboratory of Genetic Epidemiology, Research Centre for Medical Genetics); PubMed 24845642 (cited by Illumina Laboratory Services, Illumina).